The following is an entry in ClinVar:

NM_002691.4(POLD1):c.2585C>G (p.Ala862Gly)

Gene: POLD1 (DNA polymerase delta 1, catalytic subunit; plus strand). Cytogenetic location: 19q13.33.
Variant type: single nucleotide variant.
Coding change: c.2585C>G on transcript NM_002691.4 (MANE Select); coding-DNA position 2585, C replaced by G.
Protein change: p.Ala862Gly; replaces alanine 862 with glycine.
Molecular consequence: missense variant. On other transcripts: non-coding transcript variant (1).
Genome position (GRCh38, 1-based): chr19:50,415,458, C>G. VCF-style: chr19-50415458-C-G. GRCh37 (hg19) VCF-style: chr19-50918715-C-G.
Other names: c.2585C>G, p.Ala862Gly (NM_001256849.1); c.2663C>G, p.Ala888Gly (NM_001308632.1); short protein forms A888G, A862G.
Identifiers: ClinVar variation 1793421 (VCV001793421.2), dbSNP rs2039244251, ClinGen allele CA406985332.
Genomic context (GRCh38, chr19:50,415,458, plus strand): 5'-AGTGCCTTTTGGTGACGCTGTGCGGCCCGCTCTCCTACAGAGACCCTGAGGGCGCGGTGG[C>G]TCACGCACAGGACGTCATCTCGGACCTGCTGTGCAACCGCATCGATATCTCCCAGCTGGT-3'
Protein context (NP_002682.2, residues 852-872): LIDRDPEGAV[Ala862Gly]HAQDVISDLL

ClinVar aggregate classification (germline): Uncertain significance (1 of 4 stars; one submission).

Conditions:
Hereditary cancer-predisposing syndrome. Also called: Tumor predisposition; Hereditary Cancer Syndrome; Neoplastic Syndromes, Hereditary; Hereditary neoplastic syndrome. Identifiers: Orphanet 140162, MedGen C0027672, MeSH D009386, MONDO:0015356.

Submission:

Ambry Genetics
Classification: Uncertain significance for Hereditary cancer-predisposing syndrome. Last evaluated: 2022-08-22. Review status: criteria provided, single submitter. Criteria: Ambry Variant Classification Scheme 2023. Collection method: clinical testing. Allele origin: germline.
Comment: The p.A862G variant (also known as c.2585C>G), located in coding exon 20 of the POLD1 gene, results from a C to G substitution at nucleotide position 2585. The alanine at codon 862 is replaced by glycine, an amino acid with similar properties. This amino acid position is conserved. In addition, this alteration is predicted to be tolerated by in silico analysis. Since supporting evidence is limited at this time, the clinical significance of this alteration remains unclear.